The following is an entry in ClinVar:

NM_002485.5(NBN):c.900A>T (p.Gln300His)

Gene: NBN (nibrin; minus strand). Cytogenetic location: 8q21.3.
Variant type: single nucleotide variant.
Coding change: c.900A>T on transcript NM_002485.5 (MANE Select); coding-DNA position 900, A replaced by T.
Protein change: p.Gln300His; replaces glutamine 300 with histidine.
Molecular consequence: missense variant.
Genome position (GRCh38, 1-based): chr8:89,964,504, T>A on the plus strand (A>T on the coding strand, the complement: NBN is on the minus strand). VCF-style: chr8-89964504-T-A. GRCh37 (hg19) VCF-style: chr8-90976732-T-A.
Other names: c.654A>T, p.Gln218His (NM_001024688.3); short protein forms Q218H, Q300H.
Identifiers: ClinVar variation 861973 (VCV000861973.9), dbSNP rs1811152792, ClinGen allele CA371657163.

ClinVar aggregate classification (germline): Uncertain significance (1 of 4 stars; one submission).

Conditions:
Microcephaly, normal intelligence and immunodeficiency (NBS). Also called: IMMUNODEFICIENCY, MICROCEPHALY, AND CHROMOSOMAL INSTABILITY; SEEMANOVA SYNDROME II; Nijmegen breakage syndrome; Microcephaly with normal intelligence immunodeficiency and lymphoreticular malignancies; Nonsyndromal microcephaly autosomal recessive with normal intelligence; Seemanova syndrome 2. Identifiers: Orphanet 647, MedGen C0398791, MONDO:0009623, OMIM 251260.

Submission:

Labcorp Genetics (formerly Invitae), Labcorp
Classification: Uncertain significance for Microcephaly, normal intelligence and immunodeficiency. Last evaluated: 2022-07-14. Review status: criteria provided, single submitter. Criteria: Invitae Variant Classification Sherloc (09022015). Collection method: clinical testing. Allele origin: germline.
Comment: In summary, the available evidence is currently insufficient to determine the role of this variant in disease. Therefore, it has been classified as a Variant of Uncertain Significance. Algorithms developed to predict the effect of missense changes on protein structure and function output the following: SIFT: "Tolerated"; PolyPhen-2: "Benign"; Align-GVGD: "Class C0". The histidine amino acid residue is found in multiple mammalian species, which suggests that this missense change does not adversely affect protein function. ClinVar contains an entry for this variant (Variation ID: 861973). This variant has not been reported in the literature in individuals affected with NBN-related conditions. This variant is not present in population databases (gnomAD no frequency). This sequence change replaces glutamine, which is neutral and polar, with histidine, which is basic and polar, at codon 300 of the NBN protein (p.Gln300His).